The following is an entry in ClinVar:

NM_000483.5(APOC2):c.296G>C (p.Gly99Ala)

Genes: APOC2 (apolipoprotein C2; plus strand), APOC4-APOC2 (APOC4-APOC2 readthrough (NMD candidate); plus strand). Cytogenetic location: 19q13.32.
Variant type: single nucleotide variant.
Coding change: c.296G>C on transcript NM_000483.5 (MANE Select); coding-DNA position 296, G replaced by C.
Protein change: p.Gly99Ala; replaces glycine 99 with alanine.
Molecular consequence: missense variant. On other transcripts: non-coding transcript variant (1).
Genome position (GRCh38, 1-based): chr19:44,949,239, G>C. VCF-style: chr19-44949239-G-C. GRCh37 (hg19) VCF-style: chr19-45452496-G-C.
Other names: short protein forms G99A.
Identifiers: ClinVar variation 1798269 (VCV001798269.2), dbSNP rs2513573448, ClinGen allele CA406295504.

ClinVar aggregate classification (germline): Uncertain significance (1 of 4 stars; one submission).

Conditions:
Cardiovascular phenotype. Identifiers: MedGen CN230736.

Submission:

Ambry Genetics
Classification: Uncertain significance for Cardiovascular phenotype. Last evaluated: 2022-07-06. Review status: criteria provided, single submitter. Criteria: Ambry Variant Classification Scheme 2023. Collection method: clinical testing. Allele origin: germline.
Comment: The p.G99A variant (also known as c.296G>C), located in coding exon 3 of the APOC2 gene, results from a G to C substitution at nucleotide position 296. The glycine at codon 99 is replaced by alanine, an amino acid with similar properties. This amino acid position is conserved. In addition, the in silico prediction for this alteration is inconclusive. Since supporting evidence is limited at this time, the clinical significance of this alteration remains unclear.